The following is an entry in ClinVar:

ClinVar aggregate classification (germline): Likely pathogenic (1 of 4 stars; one submission).

Conditions:
PCSK1-related disorder. Also called: PCSK1-related condition.

gnomAD v4.1: 3 of 1,613,556 alleles (0.00019%); highest among the groups gnomAD compares: African/African-American, 0.0027%; no homozygotes.

Submission:

PreventionGenetics, part of Exact Sciences
Classification: Likely pathogenic for PCSK1-related condition. Last evaluated: 2025-09-12. Review status: criteria provided, single submitter. Criteria: ACMG Guidelines, 2015. Collection method: clinical testing. Allele origin: germline.
Comment: The PCSK1 c.1561C>T variant is predicted to result in the amino acid substitution p.Leu521Phe. This variant was observed in a cohort of obese individuals, and in vitro functional studies show strong evidence of loss of function (Supplemental Data Set, Shah et al. 2023, PubMed ID: 36864747). This variant is reported in 0.0033% of alleles in individuals of South Asian descent in gnomAD. This variant is interpreted as likely pathogenic.

NM_000439.5(PCSK1):c.1561C>T (p.Leu521Phe)

Genes: CAST (calpastatin; plus strand), PCSK1 (proprotein convertase subtilisin/kexin type 1; minus strand), LOC101929710 (uncharacterized LOC101929710; plus strand). Cytogenetic location: 5q15.
Variant type: single nucleotide variant.
Coding change: c.1561C>T on transcript NM_000439.5 (MANE Select); coding-DNA position 1561, C replaced by T.
Protein change: p.Leu521Phe; replaces leucine 521 with phenylalanine.
Molecular consequence: missense variant. On other transcripts: intron variant (11).
Genome position (GRCh38, 1-based): chr5:96,398,906, G>A on the plus strand (C>T on the coding strand, the complement: PCSK1 is on the minus strand). VCF-style: chr5-96398906-G-A. GRCh37 (hg19) VCF-style: chr5-95734610-G-A.
Other names: c.1420C>T, p.Leu474Phe (NM_001177875.2); c.-175+19254G>A (NM_001423254.1, NM_001423259.1, NM_001423255.1 and 6 more transcripts); c.-103+19254G>A (NM_001423253.1); c.-40+19254G>A (NM_001423258.1); short protein forms L521F, L474F.
Identifiers: ClinVar variation 4981876 (VCV004981876.1).